The following is an entry in ClinVar:

NM_001004334.4(GPR179):c.109C>T (p.Pro37Ser)

Gene: GPR179 (G protein-coupled receptor 179; minus strand). Cytogenetic location: 17q12.
Variant type: single nucleotide variant.
Coding change: c.109C>T on transcript NM_001004334.4 (MANE Select); coding-DNA position 109, C replaced by T.
Protein change: p.Pro37Ser; replaces proline 37 with serine.
Molecular consequence: missense variant.
Genome position (GRCh38, 1-based): chr17:38,343,681, G>A on the plus strand (C>T on the coding strand, the complement: GPR179 is on the minus strand). VCF-style: chr17-38343681-G-A. GRCh37 (hg19) VCF-style: chr17-36499564-G-A.
Other names: short protein forms P37S.
Identifiers: ClinVar variation 2092082 (VCV002092082.4), dbSNP rs1392059419, ClinGen allele CA398889895.
Genomic context (GRCh38, chr17:38,343,681, plus strand): 5'-CGGCCCCCTCTAGGGGCACCTGCATGGGTACAGATCCTGGCTTGACTTGGGAAGACAGAG[G>A]GGGCAGAGAGCGGATGGGCCGTGGACCCCCCAGAGCCCAGGCACAGACAAAACAGCAGCC-3'
Protein context (NP_001004334.3, residues 27-47): GGPRPIRSLP[Pro37Ser]LSSQVKPGSV

ClinVar aggregate classification (germline): Uncertain significance (1 of 4 stars; one submission).

Allele frequency attached by ClinVar (database versions not stated): TOPMed below 0.00001; gnomAD exomes 0.00001.
gnomAD v4.1: 3 of 1,610,308 alleles (0.00019%); highest among the groups gnomAD compares: Non-Finnish European, 0.00025%; no homozygotes.

Submission:

Labcorp Genetics (formerly Invitae), Labcorp
Classification: Uncertain significance. Last evaluated: 2022-08-02. Review status: criteria provided, single submitter. Criteria: Invitae Variant Classification Sherloc (09022015). Collection method: clinical testing. Allele origin: germline.
Comment: In summary, the available evidence is currently insufficient to determine the role of this variant in disease. Therefore, it has been classified as a Variant of Uncertain Significance. Algorithms developed to predict the effect of missense changes on protein structure and function output the following: SIFT: "Tolerated"; PolyPhen-2: "Benign"; Align-GVGD: "Class C0". The serine amino acid residue is found in multiple mammalian species, which suggests that this missense change does not adversely affect protein function. This variant has not been reported in the literature in individuals affected with GPR179-related conditions. This variant is present in population databases (no rsID available, gnomAD 0.0009%). This sequence change replaces proline, which is neutral and non-polar, with serine, which is neutral and polar, at codon 37 of the GPR179 protein (p.Pro37Ser).